The following is an entry in ClinVar:

NM_000719.7(CACNA1C):c.1851C>T (p.Ser617=)

Gene: CACNA1C (calcium voltage-gated channel subunit alpha1 C; plus strand). Cytogenetic location: 12p13.33.
Variant type: single nucleotide variant.
Coding change: c.1851C>T on transcript NM_000719.7 (MANE Select); coding-DNA position 1851, C replaced by T.
Protein change: p.Ser617=; no amino-acid change (serine 617 retained).
Molecular consequence: synonymous variant.
Genome position (GRCh38, 1-based): chr12:2,567,750, C>T. VCF-style: chr12-2567750-C-T. GRCh37 (hg19) VCF-style: chr12-2676916-C-T.
Other names: c.1851C>T, p.Ser617= (NM_001129827.2, NM_001129829.2, NM_001129830.3 and 18 more transcripts); c.1842C>T, p.Ser614= (NM_001129844.2).
Identifiers: ClinVar variation 514468 (VCV000514468.10), dbSNP rs371654949, ClinGen allele CA6388861.
Genomic context (GRCh38, chr12:2,567,750, plus strand): 5'-TGGCGGCATCCTGGAGACCATCCTGGTGGAGACCAAGATCATGTCCCCACTGGGCATCTC[C>T]GTGCTCAGATGCGTCCGGCTGCTGAGGATTTTCAAGATCACGAGGTACTGGGCTCCCCCT-3'
Protein context (NP_000710.5, residues 607-627): ETKIMSPLGI[Ser617=]VLRCVRLLRI

ClinVar aggregate classification (germline): Likely benign. Review status: criteria provided, multiple submitters, no conflicts (2 of 4 stars). 4 submissions from 4 submitters: Likely benign (4). Last evaluated 2026-09-02.

Conditions:
CACNA1C-related disorder. Also called: CACNA1C-related condition; CACNA1C-related disorders. Identifiers: MedGen CN381092, MONDO:0700321.
Long QT syndrome (LQTS). Identifiers: MedGen C0023976, MeSH D008133, MONDO:0002442. Disease mechanism: loss of function. Inheritance: Various modes of inheritance.
Cardiovascular phenotype. Identifiers: MedGen CN230736.

Allele frequency attached by ClinVar (database versions not stated): ExAC 0.00002; TOPMed 0.00002; gnomAD below 0.00001 and 0.00001; gnomAD exomes 0.00001; ESP Exome Variant Server 0.00015.
gnomAD v4.1: 22 of 1,613,150 alleles (0.0014%); highest among the groups gnomAD compares: South Asian, 0.0033%; no homozygotes.

Submissions (4):

PreventionGenetics, part of Exact Sciences
Classification: Likely benign for CACNA1C-related condition. Last evaluated: 2026-09-02. Review status: criteria provided, single submitter. Criteria: ACMG Guidelines, 2015. Collection method: clinical testing. Allele origin: germline.
Comment: This variant is classified as likely benign based on ACMG/AMP sequence variant interpretation guidelines (Richards et al. 2015 PMID: 25741868, with internal and published modifications).

Labcorp Genetics (formerly Invitae), Labcorp
Classification: Likely benign for Long QT syndrome. Last evaluated: 2025-12-15. Review status: criteria provided, single submitter. Criteria: Invitae Variant Classification Sherloc (09022015). Collection method: clinical testing. Allele origin: germline.

Ambry Genetics
Classification: Likely benign for Cardiovascular phenotype. Last evaluated: 2025-04-20. Review status: criteria provided, single submitter. Criteria: Ambry Variant Classification Scheme 2023. Collection method: clinical testing. Allele origin: germline.

GeneDx
Classification: Likely benign. Last evaluated: 2018-01-08. Review status: criteria provided, single submitter. Criteria: GeneDx Variant Classification (06012015). Collection method: clinical testing. Allele origin: germline. Affected: yes.
Comment: This variant is considered likely benign or benign based on one or more of the following criteria: it is a conservative change, it occurs at a poorly conserved position in the protein, it is predicted to be benign by multiple in silico algorithms, and/or has population frequency not consistent with disease.